The following is an entry in ClinVar:

ClinVar aggregate classification (germline): Uncertain significance (1 of 4 stars; one submission).

Conditions:
Cardiovascular phenotype. Identifiers: MedGen CN230736.

Allele frequency attached by ClinVar (database versions not stated): gnomAD exomes below 0.00001.
gnomAD v4.1: 1 of 1,612,962 alleles (0.000062%); highest among the groups gnomAD compares: Admixed American, 0.0017%; no homozygotes.

Submission:

Ambry Genetics
Classification: Uncertain significance for Cardiovascular phenotype. Last evaluated: 2020-09-25. Review status: criteria provided, single submitter. Criteria: Ambry Variant Classification Scheme 2023. Collection method: clinical testing. Allele origin: germline.
Comment: The p.S10435F variant (also known as c.31304C>T), located in coding exon 125 of the TTN gene, results from a C to T substitution at nucleotide position 31304. The serine at codon 10435 is replaced by phenylalanine, an amino acid with highly dissimilar properties. This amino acid position is highly conserved in available vertebrate species. In addition, the in silico prediction for this alteration is inconclusive. Since supporting evidence is limited at this time, the clinical significance of this alteration remains unclear.

NM_001267550.2(TTN):c.58499C>T (p.Ser19500Phe)

Genes: TTN (titin; minus strand), TTN-AS1 (TTN antisense RNA 1; plus strand). Cytogenetic location: 2q31.2.
Variant type: single nucleotide variant.
Coding change: c.58499C>T on transcript NM_001267550.2 (MANE Select); coding-DNA position 58499, C replaced by T.
Protein change: p.Ser19500Phe; replaces serine 19500 with phenylalanine.
Molecular consequence: missense variant.
Genome position (GRCh38, 1-based): chr2:178,593,801, G>A on the plus strand (C>T on the coding strand, the complement: TTN is on the minus strand). VCF-style: chr2-178593801-G-A. GRCh37 (hg19) VCF-style: chr2-179458528-G-A.
Other names: c.53576C>T, p.Ser17859Phe (NM_001256850.1); c.31304C>T, p.Ser10435Phe (NM_003319.4); c.50795C>T, p.Ser16932Phe (NM_133378.4); c.31679C>T, p.Ser10560Phe (NM_133432.3); c.31880C>T, p.Ser10627Phe (NM_133437.4); short protein forms S10560F, S16932F, S17859F, S10435F, S19500F, S10627F.
Identifiers: ClinVar variation 1727959 (VCV001727959.2), dbSNP rs1465284889, ClinGen allele CA349505490.
Genomic context (GRCh38, chr2:178,593,801, plus strand): 5'-TTCTTCTCAATAATATAATTGGTGATTTTACTGCCTCCATCATCTAAAGGAGGCTTCCAA[G>A]AGATAACCATGTAATCTTTGGTCACCTCATCAAAACTAACTGGTCCTACTGGTGGTCCAG-3'
Protein context (NP_001254479.2, residues 19490-19510): DEVTKDYMVI[Ser19500Phe]WKPPLDDGGS